The following is an entry in ClinVar:

ClinVar aggregate classification (germline): Uncertain significance (1 of 4 stars; one submission).

Allele frequency attached by ClinVar (database versions not stated): ExAC 0.00001; gnomAD 0.00001; 1000 Genomes Project 30x 0.00016; gnomAD exomes 0.00001; TOPMed 0.00001; 1000 Genomes Project 0.00020.
gnomAD v4.1: 12 of 1,614,180 alleles (0.00074%); highest among the groups gnomAD compares: South Asian, 0.0044%; no homozygotes.

Submission:

Labcorp Genetics (formerly Invitae), Labcorp
Classification: Uncertain significance. Last evaluated: 2025-08-18. Review status: criteria provided, single submitter. Criteria: Invitae Variant Classification Sherloc (09022015). Collection method: clinical testing. Allele origin: germline.
Comment: This sequence change replaces asparagine, which is neutral and polar, with serine, which is neutral and polar, at codon 195 of the IL12RB2 protein (p.Asn195Ser). This variant is present in population databases (rs139446628, gnomAD 0.0009%). This variant has not been reported in the literature in individuals affected with IL12RB2-related conditions. ClinVar contains an entry for this variant (Variation ID: 2968992). An algorithm developed to predict the effect of missense changes on protein structure and function outputs the following: PolyPhen-2: "Benign". The serine amino acid residue is found in multiple mammalian species, which suggests that this missense change does not adversely affect protein function. In summary, the available evidence is currently insufficient to determine the role of this variant in disease. Therefore, it has been classified as a Variant of Uncertain Significance.

NM_001374259.2(IL12RB2):c.584A>G (p.Asn195Ser)

Gene: IL12RB2 (interleukin 12 receptor subunit beta 2; plus strand). Cytogenetic location: 1p31.3.
Variant type: single nucleotide variant.
Coding change: c.584A>G on transcript NM_001374259.2 (MANE Select); coding-DNA position 584, A replaced by G.
Protein change: p.Asn195Ser; replaces asparagine 195 with serine.
Molecular consequence: missense variant. On other transcripts: non-coding transcript variant (2).
Genome position (GRCh38, 1-based): chr1:67,328,304, A>G. VCF-style: chr1-67328304-A-G. GRCh37 (hg19) VCF-style: chr1-67793987-A-G.
Other names: c.584A>G, p.Asn195Ser (NM_001258214.1, NM_001258215.1, NM_001258216.1 and 2 more transcripts); short protein forms N195S.
Identifiers: ClinVar variation 2968992 (VCV002968992.3), dbSNP rs139446628, ClinGen allele CA900234.
Genomic context (GRCh38, chr1:67,328,304, plus strand): 5'-ACATTTATTGTGACTATTTGGACTTTGGAATCAACCTCACCCCTGAATCACCTGAATCCA[A>G]TTTCACAGCCAAGGTTACTGCTGTCAATAGTCTTGGAAGCTCCTCTTCACTTCCATCCAC-3'
Protein context (NP_001361188.1, residues 185-205): INLTPESPES[Asn195Ser]FTAKVTAVNS